The following is an entry in ClinVar:

ClinVar aggregate classification (germline): Uncertain significance. Review status: criteria provided, multiple submitters, no conflicts (2 of 4 stars). 2 submissions from 2 submitters: Uncertain significance (2). Last evaluated 2025-01-25.

Conditions:
Hereditary cancer-predisposing syndrome. Also called: Tumor predisposition; Hereditary Cancer Syndrome; Hereditary neoplastic syndrome; Neoplastic Syndromes, Hereditary. Identifiers: Orphanet 140162, MedGen C0027672, MeSH D009386, MONDO:0015356.
POLD1-related polyposis and colorectal cancer syndrome (CRCS10). Also called: Colorectal cancer 10; COLORECTAL CANCER, SUSCEPTIBILITY TO, ON CHROMOSOME 19q; Colorectal cancer, susceptibility to, 10. Identifiers: Orphanet 220460, MedGen C2675481, MONDO:0012953, OMIM 612591.

Submissions (2):

Ambry Genetics
Classification: Uncertain significance for Hereditary cancer-predisposing syndrome. Last evaluated: 2025-01-25. Review status: criteria provided, single submitter. Criteria: Ambry Variant Classification Scheme 2023. Collection method: clinical testing. Allele origin: germline.
Comment: The p.A246D variant (also known as c.737C>A), located in coding exon 5 of the POLD1 gene, results from a C to A substitution at nucleotide position 737. The alanine at codon 246 is replaced by aspartic acid, an amino acid with dissimilar properties. This amino acid position is conserved. In addition, the in silico prediction for this alteration is inconclusive. Based on the available evidence, the clinical significance of this variant remains unclear.

Labcorp Genetics (formerly Invitae), Labcorp
Classification: Uncertain significance for POLD1-related polyposis and colorectal cancer syndrome. Last evaluated: 2020-06-03. Review status: criteria provided, single submitter. Criteria: Invitae Variant Classification Sherloc (09022015). Collection method: clinical testing. Allele origin: germline.
Comment: In summary, the available evidence is currently insufficient to determine the role of this variant in disease. Therefore, it has been classified as a Variant of Uncertain Significance. Algorithms developed to predict the effect of missense changes on protein structure and function are either unavailable or do not agree on the potential impact of this missense change (SIFT: "Tolerated"; PolyPhen-2: "Possibly Damaging"; Align-GVGD: "Class C0"). This variant has not been reported in the literature in individuals with POLD1-related conditions. This variant is not present in population databases (ExAC no frequency). This sequence change replaces alanine with aspartic acid at codon 246 of the POLD1 protein (p.Ala246Asp). The alanine residue is moderately conserved and there is a moderate physicochemical difference between alanine and aspartic acid.

NM_002691.4(POLD1):c.737C>A (p.Ala246Asp)

Gene: POLD1 (DNA polymerase delta 1, catalytic subunit; plus strand). Cytogenetic location: 19q13.33.
Variant type: single nucleotide variant.
Coding change: c.737C>A on transcript NM_002691.4 (MANE Select); coding-DNA position 737, C replaced by A.
Protein change: p.Ala246Asp; replaces alanine 246 with aspartic acid.
Molecular consequence: missense variant. On other transcripts: non-coding transcript variant (1).
Genome position (GRCh38, 1-based): chr19:50,402,352, C>A. VCF-style: chr19-50402352-C-A. GRCh37 (hg19) VCF-style: chr19-50905609-C-A.
Other names: c.737C>A, p.Ala246Asp (NM_001256849.1, NM_001308632.1); c.737C>A (NM_002691.2); short protein forms A246D.
Identifiers: ClinVar variation 1003156 (VCV001003156.9), dbSNP rs2038681232, ClinGen allele CA406974587.